The following is an entry in ClinVar:

ClinVar aggregate classification (germline): Pathogenic (1 of 4 stars; one submission).

Conditions:
Hereditary cancer-predisposing syndrome. Also called: Neoplastic Syndromes, Hereditary; Tumor predisposition; Hereditary Cancer Syndrome; Hereditary neoplastic syndrome. Identifiers: Orphanet 140162, MedGen C0027672, MeSH D009386, MONDO:0015356.

Submission:

Ambry Genetics
Classification: Pathogenic for Hereditary cancer-predisposing syndrome. Last evaluated: 2026-03-09. Review status: criteria provided, single submitter. Criteria: Ambry Variant Classification Scheme 2023. Collection method: clinical testing. Allele origin: germline.
Comment: The c.1111delC pathogenic mutation, located in coding exon 10 of the CHEK2 gene, results from a deletion of one nucleotide at nucleotide position 1111, causing a translational frameshift with a predicted alternate stop codon (p.H371Tfs*11). This variant is considered to be rare based on population cohorts in the Genome Aggregation Database (gnomAD). This alteration is expected to result in loss of function by premature protein truncation or nonsense-mediated mRNA decay. As such, this alteration is interpreted as a disease-causing mutation.

NM_007194.4(CHEK2):c.1111del (p.His371fs)

Gene: CHEK2 (checkpoint kinase 2; minus strand). Cytogenetic location: 22q12.1.
Variant type: Deletion.
Coding change: c.1111del on transcript NM_007194.4 (MANE Select); coding-DNA position 1111, one base deleted (C; older notation c.1111delC).
Protein change: p.His371fs; shifts the reading frame from histidine 371.
Molecular consequence: frameshift variant.
Genome position (GRCh38, 1-based): chr22:28,695,858, G deleted on the plus strand (C on the coding strand, the reverse complement: CHEK2 is on the minus strand). VCF-style (leftmost placement, unchanged base first): chr22-28695857-TG-T. GRCh37 (hg19) VCF-style: chr22-29091845-TG-T.
Other names: c.1024del, p.His342fs (NM_145862.3); c.1240del, p.His414fs (NM_001005735.3); c.448del, p.His150fs (NM_001257387.3, NM_001437942.1); c.910del, p.His304fs (NM_001349956.3); c.1204del, p.His402fs (NM_001438293.1); c.1153del, p.His385fs (NM_001438294.1); c.1117del, p.His373fs (NM_001438295.1); short protein forms H385fs, H402fs, H150fs, H373fs, H414fs, H304fs, H342fs, H371fs.
Identifiers: ClinVar variation 4827085 (VCV004827085.1).